The following is an entry in ClinVar:

NM_005689.4(ABCB6):c.2314G>T (p.Val772Phe)

Gene: ABCB6 (ATP binding cassette subfamily B member 6 (LAN blood group); minus strand). Cytogenetic location: 2q35.
Variant type: single nucleotide variant.
Coding change: c.2314G>T on transcript NM_005689.4 (MANE Select); coding-DNA position 2314, G replaced by T.
Protein change: p.Val772Phe; replaces valine 772 with phenylalanine.
Molecular consequence: missense variant.
Genome position (GRCh38, 1-based): chr2:219,210,418, C>A on the plus strand (G>T on the coding strand, the complement: ABCB6 is on the minus strand). VCF-style: chr2-219210418-C-A. GRCh37 (hg19) VCF-style: chr2-220075140-C-A.
Other names: c.2176G>T, p.Val726Phe (NM_001349828.2); short protein forms V726F, V772F.
Identifiers: ClinVar variation 2651913 (VCV002651913.27), dbSNP rs201416447, ClinGen allele CA2118962.

ClinVar aggregate classification (germline): Conflicting classifications of pathogenicity. Review status: criteria provided, conflicting classifications (1 of 4 stars). 2 submissions from 2 submitters: Uncertain significance (1); Likely benign (1). Last evaluated 2026-01-24.

Allele frequency attached by ClinVar (database versions not stated): ESP Exome Variant Server 0.00008; 1000 Genomes Project 30x 0.00016; gnomAD 0.00016; 1000 Genomes Project 0.00020; TOPMed 0.00041.
gnomAD v4.1: 427 of 1,614,210 alleles (0.026%); highest among the groups gnomAD compares: Middle Eastern, 0.049%; 1 homozygote.

Submissions (2):

Labcorp Genetics (formerly Invitae), Labcorp
Classification: Uncertain significance. Last evaluated: 2026-01-24. Review status: criteria provided, single submitter. Criteria: Invitae Variant Classification Sherloc (09022015). Collection method: clinical testing. Allele origin: germline.
Comment: This sequence change replaces valine, which is neutral and non-polar, with phenylalanine, which is neutral and non-polar, at codon 772 of the ABCB6 protein (p.Val772Phe). This variant is present in population databases (rs201416447, gnomAD 0.03%). This missense change has been observed in individual(s) with Peters' anomaly (PMID: 35170016). ClinVar contains an entry for this variant (Variation ID: 2651913). An algorithm developed to predict the effect of missense changes on protein structure and function (PolyPhen-2) suggests that this variant is likely to be disruptive. In summary, the available evidence is currently insufficient to determine the role of this variant in disease. Therefore, it has been classified as a Variant of Uncertain Significance.

CeGaT Center for Human Genetics Tuebingen
Classification: Likely benign. Last evaluated: 2022-10-01. Review status: criteria provided, single submitter. Criteria: CeGaT Center For Human Genetics Tuebingen Variant Classification Criteria Version 2. Collection method: clinical testing. Allele origin: germline. Affected: yes. Observed: 1 variant allele.
Comment: ABCB6: BS2

Literature cited by the submitters: PubMed 35170016 (cited by Labcorp Genetics (formerly Invitae), Labcorp).